The following is an entry in ClinVar:

ClinVar aggregate classification (germline): Likely pathogenic (1 of 4 stars; one submission).

Conditions:
Ehlers-Danlos syndrome, type 4 (EDSVASC). Also called: Ehlers-Danlos syndrome vascular type; Ehlers Danlos syndrome, ecchymotic type; Ehlers Danlos syndrome, arterial type; Ehlers Danlos syndrome, Sack-Barabas type; Ehlers-Danlos Syndrome Type IV. Identifiers: Orphanet 286, MedGen C0268338, MONDO:0017314, OMIM 130050.

Submission:

Labcorp Genetics (formerly Invitae), Labcorp
Classification: Likely pathogenic for Ehlers-Danlos syndrome, type 4. Last evaluated: 2024-10-07. Review status: criteria provided, single submitter. Criteria: Invitae Variant Classification Sherloc (09022015). Collection method: clinical testing. Allele origin: germline.
Comment: This sequence change replaces glycine, which is neutral and non-polar, with valine, which is neutral and non-polar, at codon 426 of the COL3A1 protein (p.Gly426Val). This variant is not present in population databases (gnomAD no frequency). This variant has not been reported in the literature in individuals affected with COL3A1-related conditions. Invitae Evidence Modeling of protein sequence and biophysical properties (such as structural, functional, and spatial information, amino acid conservation, physicochemical variation, residue mobility, and thermodynamic stability) indicates that this missense variant is expected to disrupt COL3A1 protein function with a positive predictive value of 95%. This variant disrupts the triple helix domain of COL3A1. Glycine residues within the Gly-Xaa-Yaa repeats of the triple helix domain are required for the structure and stability of fibrillar collagens (PMID: 7695699, 8218237, 19344236). In COL3A1, variants that affect these glycine residues are significantly enriched in individuals with disease (PMID: 24922459, 25758994) compared to the general population (ExAC). In summary, the currently available evidence indicates that the variant is pathogenic, but additional data are needed to prove that conclusively. Therefore, this variant has been classified as Likely Pathogenic.

Literature cited by the submitters: PubMed 7695699; PubMed 8218237; PubMed 19344236; PubMed 24922459; PubMed 25758994.

NM_000090.4(COL3A1):c.1277G>T (p.Gly426Val)

Gene: COL3A1 (collagen type III alpha 1 chain; plus strand). Cytogenetic location: 2q32.2.
Variant type: single nucleotide variant.
Coding change: c.1277G>T on transcript NM_000090.4 (MANE Select); coding-DNA position 1277, G replaced by T.
Protein change: p.Gly426Val; replaces glycine 426 with valine.
Molecular consequence: missense variant.
Genome position (GRCh38, 1-based): chr2:188,994,316, G>T. VCF-style: chr2-188994316-G-T. GRCh37 (hg19) VCF-style: chr2-189859042-G-T.
Other names: short protein forms G426V.
Identifiers: ClinVar variation 3634089 (VCV003634089.2).
Genomic context (GRCh38, chr2:188,994,316, plus strand): 5'-CTCCTGGACTGATGGGAGCCCGGGGTCCTCCAGGACCAGCCGGTGCTAATGGTGCTCCTG[G>T]ACTGCGAGGTGGTGCAGTAAGTTGCCTTGTTTTTTCTCTGTTGACTGAAAGGTATAGTTT-3'
Protein context (NP_000081.2, residues 416-436): PGPAGANGAP[Gly426Val]LRGGAGEPGK